The following is an entry in ClinVar:

ClinVar aggregate classification (germline): Uncertain significance (1 of 4 stars; one submission).

Submission:

Ambry Genetics
Classification: Uncertain significance. Last evaluated: 2022-04-24. Review status: criteria provided, single submitter. Criteria: Ambry Variant Classification Scheme 2023. Collection method: clinical testing. Allele origin: germline.
Comment: The p.G435A variant (also known as c.1304G>C), located in coding exon 9 of the POLQ gene, results from a G to C substitution at nucleotide position 1304. The glycine at codon 435 is replaced by alanine, an amino acid with similar properties. This amino acid position is conserved. In addition, the in silico prediction for this alteration is inconclusive. Since supporting evidence is limited at this time, the clinical significance of this alteration remains unclear.

NM_199420.4(POLQ):c.1304G>C (p.Gly435Ala)

Gene: POLQ (DNA polymerase theta; minus strand). Cytogenetic location: 3q13.33.
Variant type: single nucleotide variant.
Coding change: c.1304G>C on transcript NM_199420.4 (MANE Select); coding-DNA position 1304, G replaced by C.
Protein change: p.Gly435Ala; replaces glycine 435 with alanine.
Molecular consequence: missense variant.
Genome position (GRCh38, 1-based): chr3:121,520,035, C>G on the plus strand (G>C on the coding strand, the complement: POLQ is on the minus strand). VCF-style: chr3-121520035-C-G. GRCh37 (hg19) VCF-style: chr3-121238882-C-G.
Other names: short protein forms G435A.
Identifiers: ClinVar variation 1769482 (VCV001769482.2), dbSNP rs2546810241, ClinGen allele CA354119807.